The following is an entry in ClinVar:

ClinVar aggregate classification (germline): Uncertain significance. Review status: criteria provided, multiple submitters, no conflicts (2 of 4 stars). 2 submissions from 2 submitters: Uncertain significance (2). Last evaluated 2025-08-05.

Conditions:
Developmental and epileptic encephalopathy, 42 (DEE42A). Also called: Epileptic encephalopathy, early infantile, 42; DEVELOPMENTAL AND EPILEPTIC ENCEPHALOPATHY 42A; EPILEPTIC ENCEPHALOPATHY, EARLY INFANTILE, 42A. Identifiers: MedGen C4310716, MONDO:0014917, OMIM 617106.
Episodic ataxia type 2 (EA2). Also called: CEREBELLAR ATAXIA, PAROXYSMAL, ACETAZOLAMIDE-RESPONSIVE; CEREBELLOPATHY, HEREDITARY PAROXYSMAL; EPISODIC ATAXIA, NYSTAGMUS-ASSOCIATED; ATAXIA, EPISODIC, WITH NYSTAGMUS; ATAXIA, FAMILIAL PAROXYSMAL; ACETAZOLAMIDE-RESPONSIVE HEREDITARY PAROXYSMAL CEREBELLAR ATAXIA. Identifiers: Orphanet 97, MedGen C1720416, MONDO:0007163, OMIM 108500.

Allele frequency attached by ClinVar (database versions not stated): gnomAD exomes below 0.00001; TOPMed below 0.00001; gnomAD 0.00001.
gnomAD v4.1: 3 of 1,601,712 alleles (0.00019%); highest among the groups gnomAD compares: Middle Eastern, 0.033%; no homozygotes.

Submissions (2):

GeneDx
Classification: Uncertain significance. Last evaluated: 2025-08-05. Review status: criteria provided, single submitter. Criteria: GeneDx Variant Classification Process June 2021. Collection method: clinical testing. Allele origin: germline.
Comment: Identified in a patient with spastic paraplegia and ataxia in published literature, however, no segregation information was provided (PMID: 28444220); In silico analysis suggests that this missense variant does not alter protein structure/function; Not observed at significant frequency in large population cohorts (gnomAD); This variant is associated with the following publications: (PMID: 28444220)

Labcorp Genetics (formerly Invitae), Labcorp
Classification: Uncertain significance for Developmental and epileptic encephalopathy, 42; Episodic ataxia type 2. Last evaluated: 2025-01-27. Review status: criteria provided, single submitter. Criteria: Invitae Variant Classification Sherloc (09022015). Collection method: clinical testing. Allele origin: germline.
Comment: This sequence change replaces isoleucine, which is neutral and non-polar, with valine, which is neutral and non-polar, at codon 1859 of the CACNA1A protein (p.Ile1859Val). This variant is not present in population databases (gnomAD no frequency). This missense change has been observed in individual(s) with autosomal dominant cerebellar ataxia (PMID: 28444220). ClinVar contains an entry for this variant (Variation ID: 660761). Invitae Evidence Modeling of protein sequence and biophysical properties (such as structural, functional, and spatial information, amino acid conservation, physicochemical variation, residue mobility, and thermodynamic stability) indicates that this missense variant is not expected to disrupt CACNA1A protein function with a negative predictive value of 95%. In summary, the available evidence is currently insufficient to determine the role of this variant in disease. Therefore, it has been classified as a Variant of Uncertain Significance.

Literature cited by the submitters: PubMed 28444220 (cited by Labcorp Genetics (formerly Invitae), Labcorp).

NM_001127221.2(CACNA1A):c.5575A>G (p.Ile1859Val)

Gene: CACNA1A (calcium voltage-gated channel subunit alpha1 A; minus strand). Cytogenetic location: 19p13.13.
Variant type: single nucleotide variant.
Coding change: c.5575A>G on transcript NM_001127221.2 (MANE Plus Clinical); coding-DNA position 5575, A replaced by G.
Protein change: p.Ile1859Val; replaces isoleucine 1859 with valine.
Molecular consequence: missense variant. On other transcripts: intron variant (4).
Genome position (GRCh38, 1-based): chr19:13,228,752, T>C on the plus strand (A>G on the coding strand, the complement: CACNA1A is on the minus strand). VCF-style: chr19-13228752-T-C. GRCh37 (hg19) VCF-style: chr19-13339566-T-C.
Other names: c.5529-1225A>G (NM_001127222.2); c.5538-1225A>G (NM_001174080.2); c.5547-1225A>G (NM_000068.4, NM_023035.3); short protein forms I1859V.
Identifiers: ClinVar variation 660761 (VCV000660761.11), dbSNP rs1432354078, ClinGen allele CA404331523.